The following is an entry in ClinVar:

ClinVar aggregate classification (germline): Uncertain significance (1 of 4 stars; one submission).

Allele frequency attached by ClinVar (database versions not stated): TOPMed below 0.00001; gnomAD exomes 0.00001 and 0.00003; ExAC 0.00006.

Submission:

Labcorp Genetics (formerly Invitae), Labcorp
Classification: Uncertain significance. Last evaluated: 2022-09-01. Review status: criteria provided, single submitter. Criteria: Invitae Variant Classification Sherloc (09022015). Collection method: clinical testing. Allele origin: germline.
Comment: In summary, the available evidence is currently insufficient to determine the role of this variant in disease. Therefore, it has been classified as a Variant of Uncertain Significance. Algorithms developed to predict the effect of missense changes on protein structure and function are either unavailable or do not agree on the potential impact of this missense change (SIFT: "Deleterious"; PolyPhen-2: "Not Available"; Align-GVGD: "Class C0"). ClinVar contains an entry for this variant (Variation ID: 1368731). This variant has not been reported in the literature in individuals affected with SLC9A7-related conditions. This variant is present in population databases (rs776176807, gnomAD 0.04%). This sequence change replaces arginine, which is basic and polar, with tryptophan, which is neutral and slightly polar, at codon 714 of the SLC9A7 protein (p.Arg714Trp).

NM_001257291.2(SLC9A7):c.2140C>T (p.Arg714Trp)

Gene: SLC9A7 (solute carrier family 9 member A7; minus strand). Cytogenetic location: Xp11.3.
Variant type: single nucleotide variant.
Coding change: c.2140C>T on transcript NM_001257291.2 (MANE Select); coding-DNA position 2140, C replaced by T.
Protein change: p.Arg714Trp; replaces arginine 714 with tryptophan.
Molecular consequence: missense variant.
Genome position (GRCh38, 1-based): chrX:46,606,993, G>A on the plus strand (C>T on the coding strand, the complement: SLC9A7 is on the minus strand). VCF-style: chrX-46606993-G-A. GRCh37 (hg19) VCF-style: chrX-46466428-G-A.
Other names: c.2137C>T, p.Arg713Trp (NM_032591.3); short protein forms R714W, R713W.
Identifiers: ClinVar variation 1368731 (VCV001368731.6), dbSNP rs776176807, ClinGen allele CA10393699.